The following is an entry in ClinVar:

ClinVar aggregate classification (germline): Uncertain significance (1 of 4 stars; one submission).

Conditions:
Leber congenital amaurosis 12 (LCA12). Identifiers: Orphanet 65, MedGen C1857743, MONDO:0012525, OMIM 610612.

Allele frequency attached by ClinVar (database versions not stated): gnomAD exomes below 0.00001.
gnomAD v4.1: 4 of 1,599,748 alleles (0.00025%); highest among the groups gnomAD compares: South Asian, 0.0044%; no homozygotes.

Submission:

Labcorp Genetics (formerly Invitae), Labcorp
Classification: Uncertain significance for Leber congenital amaurosis 12. Last evaluated: 2021-07-14. Review status: criteria provided, single submitter. Criteria: Invitae Variant Classification Sherloc (09022015). Collection method: clinical testing. Allele origin: germline.
Comment: This sequence change replaces lysine with glutamic acid at codon 193 of the RD3 protein (p.Lys193Glu). The lysine residue is highly conserved and there is a small physicochemical difference between lysine and glutamic acid. In summary, the available evidence is currently insufficient to determine the role of this variant in disease. Therefore, it has been classified as a Variant of Uncertain Significance. Algorithms developed to predict the effect of missense changes on protein structure and function are either unavailable or do not agree on the potential impact of this missense change (SIFT: "Deleterious"; PolyPhen-2: "Benign"; Align-GVGD: "Class C0"). This variant has not been reported in the literature in individuals affected with RD3-related conditions. This variant is not present in population databases (ExAC no frequency).

NM_001164688.2(RD3):c.577A>G (p.Lys193Glu)

Gene: RD3 (RD3 regulator of GUCY2D; minus strand). Cytogenetic location: 1q32.3.
Variant type: single nucleotide variant.
Coding change: c.577A>G on transcript NM_001164688.2 (MANE Select); coding-DNA position 577, A replaced by G.
Protein change: p.Lys193Glu; replaces lysine 193 with glutamic acid.
Molecular consequence: missense variant.
Genome position (GRCh38, 1-based): chr1:211,479,047, T>C on the plus strand (A>G on the coding strand, the complement: RD3 is on the minus strand). VCF-style: chr1-211479047-T-C. GRCh37 (hg19) VCF-style: chr1-211652389-T-C.
Other names: c.577A>G, p.Lys193Glu (NM_183059.3); short protein forms K193E.
Identifiers: ClinVar variation 1367419 (VCV001367419.7), dbSNP rs1374882349, ClinGen allele CA344878541.